The following is an entry in ClinVar:

NM_006642.5(SDCCAG8):c.169G>A (p.Gly57Arg)

Gene: SDCCAG8 (SHH signaling and ciliogenesis regulator SDCCAG8; plus strand). Cytogenetic location: 1q43.
Variant type: single nucleotide variant.
Coding change: c.169G>A on transcript NM_006642.5 (MANE Select); coding-DNA position 169, G replaced by A.
Protein change: p.Gly57Arg; replaces glycine 57 with arginine.
Molecular consequence: missense variant. On other transcripts: 5 prime UTR variant (4).
Genome position (GRCh38, 1-based): chr1:243,270,206, G>A. VCF-style: chr1-243270206-G-A. GRCh37 (hg19) VCF-style: chr1-243433508-G-A.
Other names: c.-944G>A (NM_001350246.2); c.-832G>A (NM_001350247.2); c.169G>A, p.Gly57Arg (NM_001350248.2); c.-126G>A (NM_001350249.2); c.-1205G>A (NM_001350251.2); short protein forms G57R.
Identifiers: ClinVar variation 1011384 (VCV001011384.8), dbSNP rs2067975157, ClinGen allele CA345474148.

ClinVar aggregate classification (germline): Uncertain significance (1 of 4 stars; one submission).

Conditions:
Senior-Loken syndrome 7 (SLSN7). Identifiers: Orphanet 3156, MedGen C3150877, MONDO:0013326, OMIM 613615.
Bardet-Biedl syndrome 16 (BBS16). Identifiers: Orphanet 110, MedGen C3889474, MONDO:0014444, OMIM 615993.

Submission:

Labcorp Genetics (formerly Invitae), Labcorp
Classification: Uncertain significance for Bardet-Biedl syndrome 16; Senior-Loken syndrome 7. Last evaluated: 2023-08-30. Review status: criteria provided, single submitter. Criteria: Invitae Variant Classification Sherloc (09022015). Collection method: clinical testing. Allele origin: germline.
Comment: In summary, the available evidence is currently insufficient to determine the role of this variant in disease. Therefore, it has been classified as a Variant of Uncertain Significance. Advanced modeling of protein sequence and biophysical properties (such as structural, functional, and spatial information, amino acid conservation, physicochemical variation, residue mobility, and thermodynamic stability) performed at Invitae indicates that this missense variant is not expected to disrupt SDCCAG8 protein function. ClinVar contains an entry for this variant (Variation ID: 1011384). This variant has not been reported in the literature in individuals affected with SDCCAG8-related conditions. This variant is not present in population databases (gnomAD no frequency). This sequence change replaces glycine, which is neutral and non-polar, with arginine, which is basic and polar, at codon 57 of the SDCCAG8 protein (p.Gly57Arg).